The following is an entry in ClinVar:

NM_017514.5(PLXNA3):c.43G>C (p.Gly15Arg)

Gene: PLXNA3 (plexin A3; plus strand). Cytogenetic location: Xq28.
Variant type: single nucleotide variant.
Coding change: c.43G>C on transcript NM_017514.5 (MANE Select); coding-DNA position 43, G replaced by C.
Protein change: p.Gly15Arg; replaces glycine 15 with arginine.
Molecular consequence: missense variant.
Genome position (GRCh38, 1-based): chrX:154,460,226, G>C. VCF-style: chrX-154460226-G-C. GRCh37 (hg19) VCF-style: chrX-153688566-G-C.
Other names: c.43G>C (NM_017514.3); short protein forms G15R.
Identifiers: ClinVar variation 3349899 (VCV003349899.2).

ClinVar aggregate classification (germline): Uncertain significance. Review status: criteria provided, single submitter (1 of 4 stars). 2 submissions from 2 submitters: Uncertain significance (1). 1 of the submissions does not count toward it. Last evaluated 2025-08-12.

Conditions:
PLXNA3-related disorder. Also called: PLXNA3-related condition.

gnomAD v4.1: 3 of 1,207,909 alleles (0.00025%); highest among the groups gnomAD compares: African/African-American, 0.0052%; no homozygotes.

Submissions (2):

Ambry Genetics
Classification: Uncertain significance. Last evaluated: 2025-08-12. Review status: criteria provided, single submitter. Criteria: Ambry Variant Classification Scheme 2023. Collection method: clinical testing. Allele origin: germline.

PreventionGenetics, part of Exact Sciences
Classification: Uncertain significance for PLXNA3-related condition. Last evaluated: 2024-01-09. Review status: no assertion criteria provided. Collection method: clinical testing. Allele origin: germline. Not counted in ClinVar's aggregate classification.
Comment: The PLXNA3 c.43G>C variant is predicted to result in the amino acid substitution p.Gly15Arg. To our knowledge, this variant has not been reported in the literature or in a large population database, indicating this variant is rare. At this time, the clinical significance of this variant is uncertain due to the absence of conclusive functional and genetic evidence.